The following is an entry in ClinVar:

NM_170784.3(MKKS):c.1033G>A (p.Gly345Arg)

Gene: MKKS (MKKS centrosomal shuttling protein; minus strand). Cytogenetic location: 20p12.2.
Variant type: single nucleotide variant.
Coding change: c.1033G>A on transcript NM_170784.3 (MANE Select); coding-DNA position 1033, G replaced by A.
Protein change: p.Gly345Arg; replaces glycine 345 with arginine.
Molecular consequence: missense variant. On other transcripts: non-coding transcript variant (1).
Genome position (GRCh38, 1-based): chr20:10,408,756, C>T on the plus strand (G>A on the coding strand, the complement: MKKS is on the minus strand). VCF-style: chr20-10408756-C-T. GRCh37 (hg19) VCF-style: chr20-10389404-C-T.
Other names: c.1033G>A, p.Gly345Arg (NM_018848.3); short protein forms G345R.
Identifiers: ClinVar variation 4783722 (VCV004783722.1).

ClinVar aggregate classification (germline): Likely pathogenic (1 of 4 stars; one submission).

Conditions:
Bardet-Biedl syndrome (BBS). Identifiers: Orphanet 110, MedGen C0752166, MONDO:0015229.
McKusick-Kaufman syndrome (MKKS). Also called: HYDROMETROCOLPOS SYNDROME; HYDROMETROCOLPOS, POSTAXIAL POLYDACTYLY, AND CONGENITAL HEART MALFORMATION. Identifiers: Orphanet 2473, MedGen C0948368, MONDO:0009367, OMIM 236700.

Submission:

Labcorp Genetics (formerly Invitae), Labcorp
Classification: Likely pathogenic for McKusick-Kaufman syndrome; Bardet-Biedl syndrome. Last evaluated: 2025-06-17. Review status: criteria provided, single submitter. Criteria: Invitae Variant Classification Sherloc (09022015). Collection method: clinical testing. Allele origin: germline.
Comment: This sequence change replaces glycine, which is neutral and non-polar, with arginine, which is basic and polar, at codon 345 of the MKKS protein (p.Gly345Arg). This variant is not present in population databases (gnomAD no frequency). This variant has not been reported in the literature in individuals affected with MKKS-related conditions. Invitae Evidence Modeling of protein sequence and biophysical properties (such as structural, functional, and spatial information, amino acid conservation, physicochemical variation, residue mobility, and thermodynamic stability) indicates that this missense variant is expected to disrupt MKKS protein function with a positive predictive value of 95%. This variant disrupts the p.Gly345 amino acid residue in MKKS. Other variant(s) that disrupt this residue have been determined to be pathogenic (PMID: 12107442, 18094050, 20498079, 20502701, 22446187). This suggests that this residue is clinically significant, and that variants that disrupt this residue are likely to be disease-causing. In summary, the currently available evidence indicates that the variant is pathogenic, but additional data are needed to prove that conclusively. Therefore, this variant has been classified as Likely Pathogenic.

Literature cited by the submitters: PubMed 12107442; PubMed 18094050; PubMed 20498079; PubMed 20502701; PubMed 22446187.